The following is an entry in ClinVar:

ClinVar aggregate classification (germline): Uncertain significance (1 of 4 stars; one submission).

Conditions:
Rhabdoid tumor predisposition syndrome 2 (RTPS2). Identifiers: Orphanet 231108, Orphanet 69077, MedGen C2750074, MONDO:0013224, OMIM 613325.

Allele frequency attached by ClinVar (database versions not stated): gnomAD exomes below 0.00001.
gnomAD v4.1: 5 of 1,595,166 alleles (0.00031%); highest among the groups gnomAD compares: Non-Finnish European, 0.00043%; no homozygotes.

Submission:

Labcorp Genetics (formerly Invitae), Labcorp
Classification: Uncertain significance for Rhabdoid tumor predisposition syndrome 2. Last evaluated: 2025-04-13. Review status: criteria provided, single submitter. Criteria: Invitae Variant Classification Sherloc (09022015). Collection method: clinical testing. Allele origin: germline.
Comment: This sequence change replaces threonine, which is neutral and polar, with alanine, which is neutral and non-polar, at codon 1393 of the SMARCA4 protein (p.Thr1393Ala). This variant is not present in population databases (gnomAD no frequency). This variant has not been reported in the literature in individuals affected with SMARCA4-related conditions. ClinVar contains an entry for this variant (Variation ID: 655844). An algorithm developed to predict the effect of missense changes on protein structure and function (PolyPhen-2) suggests that this variant is likely to be tolerated. In summary, the available evidence is currently insufficient to determine the role of this variant in disease. Therefore, it has been classified as a Variant of Uncertain Significance.

NM_001387283.1(SMARCA4):c.4177A>G (p.Thr1393Ala)

Gene: SMARCA4 (SWI/SNF related BAF chromatin remodeling complex subunit ATPase 4; plus strand). Cytogenetic location: 19p13.2.
Variant type: single nucleotide variant.
Coding change: c.4177A>G on transcript NM_001387283.1 (MANE Plus Clinical); coding-DNA position 4177, A replaced by G.
Protein change: p.Thr1393Ala; replaces threonine 1393 with alanine.
Molecular consequence: missense variant. On other transcripts: intron variant (7).
Genome position (GRCh38, 1-based): chr19:11,039,464, A>G. VCF-style: chr19-11039464-A-G. GRCh37 (hg19) VCF-style: chr19-11150140-A-G.
Other names: c.4177A>G, p.Thr1393Ala (NM_001128849.3); c.4171-1843A>G (NM_001128844.3, NM_003072.5); c.4072-1843A>G (NM_001128847.4, NM_001374457.1, NM_001128848.2); c.4072-1834A>G (NM_001128845.2, NM_001128846.2); short protein forms T1393A.
Identifiers: ClinVar variation 655844 (VCV000655844.8), dbSNP rs1600445175, ClinGen allele CA404071065.